The following is an entry in ClinVar:

ClinVar aggregate classification (germline): Benign/Likely benign. Review status: criteria provided, multiple submitters, no conflicts (2 of 4 stars). 3 submissions from 3 submitters: Benign (1); Likely benign (2). Last evaluated 2026-09-01.

Conditions:
Kabuki syndrome. Also called: NIIKAWA-KUROKI SYNDROME; Kabuki make-up syndrome. Identifiers: Orphanet 2322, MedGen C0796004, MONDO:0016512.
KMT2D-related disorder. Also called: KMT2D-Related Disorders.

Allele frequency attached by ClinVar (database versions not stated): gnomAD 0.00004; TOPMed 0.00006.
gnomAD v4.1: 39 of 1,536,670 alleles (0.0025%); highest among the groups gnomAD compares: Admixed American, 0.021%; no homozygotes.

Submissions (3):

CeGaT Center for Human Genetics Tuebingen
Classification: Likely benign. Last evaluated: 2026-09-01. Review status: criteria provided, single submitter. Criteria: CeGaT Center For Human Genetics Tuebingen Variant Classification Criteria Version 2. Collection method: clinical testing. Allele origin: germline. Affected: yes. Observed: 2 variant alleles.
Comment: KMT2D: BP4, BP7

Labcorp Genetics (formerly Invitae), Labcorp
Classification: Benign for Kabuki syndrome. Last evaluated: 2026-01-03. Review status: criteria provided, single submitter. Criteria: Invitae Variant Classification Sherloc (09022015). Collection method: clinical testing. Allele origin: germline.

PreventionGenetics, part of Exact Sciences
Classification: Likely benign for KMT2D-related condition. Last evaluated: 2025-11-18. Review status: criteria provided, single submitter. Criteria: ACMG Guidelines, 2015. Collection method: clinical testing. Allele origin: germline.
Comment: This variant is classified as likely benign based on ACMG/AMP sequence variant interpretation guidelines (Richards et al. 2015 PMID: 25741868, with internal and published modifications).

NM_003482.4(KMT2D):c.12780A>G (p.Gln4260=)

Gene: KMT2D (lysine methyltransferase 2D; minus strand). Cytogenetic location: 12q13.12.
Variant type: single nucleotide variant.
Coding change: c.12780A>G on transcript NM_003482.4 (MANE Select); coding-DNA position 12780, A replaced by G.
Protein change: p.Gln4260=; no amino-acid change (glutamine 4260 retained).
Molecular consequence: synonymous variant.
Genome position (GRCh38, 1-based): chr12:49,031,925, T>C on the plus strand (A>G on the coding strand, the complement: KMT2D is on the minus strand). VCF-style: chr12-49031925-T-C. GRCh37 (hg19) VCF-style: chr12-49425708-T-C.
Identifiers: ClinVar variation 1508410 (VCV001508410.11), dbSNP rs555842651, ClinGen allele CA6546134.